The following is an entry in ClinVar:

NM_000059.4(BRCA2):c.9254C>A (p.Thr3085Lys)

Gene: BRCA2 (BRCA2 DNA repair associated; plus strand). Cytogenetic location: 13q13.1.
Variant type: single nucleotide variant.
Coding change: c.9254C>A on transcript NM_000059.4 (MANE Select); coding-DNA position 9254, C replaced by A.
Protein change: p.Thr3085Lys; replaces threonine 3085 with lysine.
Molecular consequence: missense variant.
Genome position (GRCh38, 1-based): chr13:32,380,143, C>A. VCF-style: chr13-32380143-C-A. GRCh37 (hg19) VCF-style: chr13-32954280-C-A.
Other names: c.9158C>A, p.Thr3053Lys (NM_001406719.1); c.9203C>A, p.Thr3068Lys (NM_001406720.1); c.4322C>A, p.Thr1441Lys (NM_001406721.1); c.2837C>A, p.Thr946Lys (NM_001406722.1); short protein forms T3053K, T3068K, T1441K, T3085K, T946K.
Identifiers: ClinVar variation 1766341 (VCV001766341.5), dbSNP rs2137625921, ClinGen allele CA387758725.
Genomic context (GRCh38, chr13:32,380,143, plus strand): 5'-TTCAGCCATCTTGTTCTGAGGTGGACCTAATAGGATTTGTCGTTTCTGTTGTGAAAAAAA[C>A]AGGTAATGCACAATATAGTTAATTTTTTTTATTGATTCTTTTAAAAAACATTGTCTTTTA-3'
Protein context (NP_000050.3, residues 3075-3095): IGFVVSVVKK[Thr3085Lys]GLAPFVYLSD

ClinVar aggregate classification (germline): Uncertain significance. Review status: criteria provided, multiple submitters, no conflicts (2 of 4 stars). 3 submissions from 3 submitters: Uncertain significance (3). Last evaluated 2024-01-22.

Conditions:
Hereditary cancer-predisposing syndrome. Also called: Neoplastic Syndromes, Hereditary; Tumor predisposition; Hereditary neoplastic syndrome; Hereditary Cancer Syndrome. Identifiers: Orphanet 140162, MedGen C0027672, MeSH D009386, MONDO:0015356.
Hereditary breast ovarian cancer syndrome. Also called: Hereditary breast and ovarian cancer syndrome; Breast and ovarian cancer; Hereditary breast and/or ovarian cancer syndrome; Hereditary breast and ovarian cancer; BRCA1- and BRCA2-Associated Hereditary Breast and Ovarian Cancer; Hereditary breast and ovarian cancer syndrome (HBOC). Identifiers: Orphanet 145, MedGen C0677776, MeSH D061325, MONDO:0003582. Disease mechanism: loss of function.
Breast-ovarian cancer, familial, susceptibility to, 2 (BROVCA2). Also called: BRCA2 Hereditary Breast and Ovarian Cancer. Identifiers: Orphanet 145, MedGen C2675520, MONDO:0012933, OMIM 612555. Disease mechanism: loss of function.

Submissions (3):

Molecular Pathology, Peter Maccallum Cancer Centre
Classification: Uncertain significance for Breast-ovarian cancer, familial, susceptibility to, 2. Last evaluated: 2024-01-22. Review status: criteria provided, single submitter. Criteria: ACMG Guidelines, 2015. Collection method: clinical testing. Allele origin: germline. Inheritance: Autosomal dominant inheritance.

Labcorp Genetics (formerly Invitae), Labcorp
Classification: Uncertain significance for Hereditary breast ovarian cancer syndrome. Last evaluated: 2022-04-22. Review status: criteria provided, single submitter. Criteria: Invitae Variant Classification Sherloc (09022015). Collection method: clinical testing. Allele origin: germline.
Comment: This sequence change replaces threonine, which is neutral and polar, with lysine, which is basic and polar, at codon 3085 of the BRCA2 protein (p.Thr3085Lys). This variant is not present in population databases (gnomAD no frequency). This variant has not been reported in the literature in individuals affected with BRCA2-related conditions. Algorithms developed to predict the effect of missense changes on protein structure and function output the following: SIFT: "Tolerated"; PolyPhen-2: "Benign"; Align-GVGD: "Class C0". The lysine amino acid residue is found in multiple mammalian species, which suggests that this missense change does not adversely affect protein function. In summary, the available evidence is currently insufficient to determine the role of this variant in disease. Therefore, it has been classified as a Variant of Uncertain Significance.

Ambry Genetics
Classification: Uncertain significance for Hereditary cancer-predisposing syndrome. Last evaluated: 2021-12-11. Review status: criteria provided, single submitter. Criteria: Ambry Variant Classification Scheme 2023. Collection method: clinical testing. Allele origin: germline.
Comment: The p.T3085K variant (also known as c.9254C>A), located in coding exon 23 of the BRCA2 gene, results from a C to A substitution at nucleotide position 9254. The threonine at codon 3085 is replaced by lysine, an amino acid with similar properties. This amino acid position is conserved. In addition, this alteration is predicted to be tolerated by in silico analysis. Since supporting evidence is limited at this time, the clinical significance of this alteration remains unclear.